The following is an entry in ClinVar:

NM_007118.4(TRIO):c.5003C>T (p.Thr1668Ile)

Gene: TRIO (trio Rho guanine nucleotide exchange factor; plus strand). Cytogenetic location: 5p15.2.
Variant type: single nucleotide variant.
Coding change: c.5003C>T on transcript NM_007118.4 (MANE Select); coding-DNA position 5003, C replaced by T.
Protein change: p.Thr1668Ile; replaces threonine 1668 with isoleucine.
Molecular consequence: missense variant. On other transcripts: non-coding transcript variant (1).
Genome position (GRCh38, 1-based): chr5:14,419,821, C>T. VCF-style: chr5-14419821-C-T. GRCh37 (hg19) VCF-style: chr5-14419930-C-T.
Other names: c.5003C>T (NM_007118.2); short protein forms T1668I.
Identifiers: ClinVar variation 2441634 (VCV002441634.2), dbSNP rs2533168180, ClinGen allele CA359205968.

ClinVar aggregate classification (germline): Uncertain significance. Review status: criteria provided, multiple submitters, no conflicts (2 of 4 stars). 3 submissions from 2 submitters: Uncertain significance (3). Last evaluated 2023-12-01.

Conditions:
Intellectual developmental disorder, autosomal dominant 44, with microcephaly. Also called: Micrognathia-recurrent infections-behavioral abnormalities-mild intellectual disability syndrome; TRIO-Related Intellectual Disability. Identifiers: Orphanet 476126, MedGen C4310740, MONDO:0014892, OMIM 617061.
Intellectual developmental disorder, autosomal dominant 63, with macrocephaly. Also called: MENTAL RETARDATION, AUTOSOMAL DOMINANT 63, WITH MACROCEPHALY. Identifiers: MedGen C5394205, MONDO:0032939, OMIM 618825.

Submissions (3):

GeneDx
Classification: Uncertain significance. Last evaluated: 2023-12-01. Review status: criteria provided, single submitter. Criteria: GeneDx Variant Classification Process June 2021. Collection method: clinical testing. Allele origin: germline. Affected: yes.
Comment: Not observed at significant frequency in large population cohorts (gnomAD); In silico analysis supports that this missense variant does not alter protein structure/function; Has not been previously published as pathogenic or benign to our knowledge

Baylor Genetics
Classification: Uncertain significance for Intellectual developmental disorder, autosomal dominant 44, with microcephaly. Last evaluated: 2022-05-23. Review status: criteria provided, single submitter. Criteria: ACMG Guidelines, 2015. Collection method: clinical testing. Allele origin: unknown.

Baylor Genetics
Classification: Uncertain significance for Intellectual developmental disorder, autosomal dominant 63, with macrocephaly. Last evaluated: 2022-05-23. Review status: criteria provided, single submitter. Criteria: ACMG Guidelines, 2015. Collection method: clinical testing. Allele origin: unknown.